The following is an entry in ClinVar:

ClinVar aggregate classification (germline): Benign (1 of 4 stars; one submission).

Allele frequency attached by ClinVar (database versions not stated): 1000 Genomes Project 0.31270; 1000 Genomes Project 30x 0.31652; TOPMed 0.32106.
gnomAD v4.1: 296,042 of 1,084,100 alleles (27%); highest among the groups gnomAD compares: African/African-American, 42%; 42,786 homozygotes.

Submissions (2):

GeneDx
Classification: Benign. Last evaluated: 2018-06-15. Review status: criteria provided, single submitter. Criteria: GeneDx Variant Classification (06012015). Collection method: clinical testing. Allele origin: germline. Affected: yes.
Comment: This variant is considered likely benign or benign based on one or more of the following criteria: it is a conservative change, it occurs at a poorly conserved position in the protein, it is predicted to be benign by multiple in silico algorithms, and/or has population frequency not consistent with disease.

Dr. Peter K. Rogan Lab, Western University
No classification provided (evidence only). Condition: Malignant lymphoma, large B-cell, diffuse. Review status: no classification provided. Collection method: in vitro. Allele origin: not applicable. Functional consequence: retained intron. Not counted in ClinVar's aggregate classification.

NM_001105206.3(LAMA4):c.1960-61A>G

Gene: LAMA4 (laminin subunit alpha 4; minus strand). Cytogenetic location: 6q21.
Variant type: single nucleotide variant.
Coding change: c.1960-61A>G on transcript NM_001105206.3 (MANE Select); 61 bases into the intron before coding-DNA position 1960, A replaced by G.
Molecular consequence: intron variant.
Genome position (GRCh38, 1-based): chr6:112,155,008, T>C on the plus strand (A>G on the coding strand, the complement: LAMA4 is on the minus strand). VCF-style: chr6-112155008-T-C. GRCh37 (hg19) VCF-style: chr6-112476210-T-C.
Other names: NC_000006.11:g.112476210T>C; c.1939-61A>G (NM_002290.5, NM_001105207.3).
Identifiers: ClinVar variation 671116 (VCV000671116.2), dbSNP rs2277084, ClinGen allele CA12431602.